The following is an entry in ClinVar:

ClinVar aggregate classification (germline): Uncertain significance. Review status: criteria provided, single submitter (1 of 4 stars). 2 submissions from 2 submitters: Uncertain significance (1). 1 of the submissions does not count toward it. Last evaluated 2019-01-04.

Conditions:
Dyskeratosis congenita. Identifiers: Orphanet 1775, MedGen C0265965, MONDO:0015780.
Dyskeratosis congenita, X-linked (DKCX). Also called: Zinsser-Cole-Engman Syndrome. Identifiers: MedGen C1148551, MONDO:0010584, OMIM 305000.

Submissions (2):

Ambry Genetics
Classification: Uncertain significance for Dyskeratosis congenita. Last evaluated: 2019-01-04. Review status: criteria provided, single submitter. Criteria: Ambry Variant Classification Scheme 2023. Collection method: clinical testing. Allele origin: germline.
Comment: The p.T357A variant (also known as c.1069A>G), located in coding exon 11 of the DKC1 gene, results from an A to G substitution at nucleotide position 1069. The threonine at codon 357 is replaced by alanine, an amino acid with similar properties. This amino acid position is highly conserved in available vertebrate species. In addition, this alteration is predicted to be deleterious by in silico analysis. Based on internal structural analysis, this variant is anticipated to result in a change in protein-protein interaction. However, it does not disrupt the surface structure itself (Li S et al. EMBO J., 2011 Nov;30:5010-20). Since supporting evidence is limited at this time, the clinical significance of this alteration remains unclear.

OMIM
Classification: Pathogenic for DYSKERATOSIS CONGENITA, X-LINKED. Last evaluated: 2005-05-01. Review status: no assertion criteria provided. Collection method: literature only. Allele origin: germline. Not counted in ClinVar's aggregate classification.

Literature cited by the submitters: PubMed 22117216 (cited by Ambry Genetics); PubMed 15842668 (cited by OMIM).

NM_001363.5(DKC1):c.1069A>G (p.Thr357Ala)

Gene: DKC1 (dyskerin pseudouridine synthase 1; plus strand). Cytogenetic location: Xq28.
Variant type: single nucleotide variant.
Coding change: c.1069A>G on transcript NM_001363.5 (MANE Select); coding-DNA position 1069, A replaced by G.
Protein change: p.Thr357Ala; replaces threonine 357 with alanine.
Molecular consequence: missense variant. On other transcripts: non-coding transcript variant (3).
Genome position (GRCh38, 1-based): chrX:154,773,163, A>G. VCF-style: chrX-154773163-A-G. GRCh37 (hg19) VCF-style: chrX-154001438-A-G.
Other names: c.1069A>G, p.Thr357Ala (NM_001142463.3, NM_001288747.2); short protein forms T357A.
Identifiers: ClinVar variation 11595 (VCV000011595.4), dbSNP rs137854492, ClinGen allele CA255934.
Genomic context (GRCh38, chrX:154,773,163, plus strand): 5'-AATTCTTTTCTTTATTCAATGCCTGTAGCTATTGCATTAATGACCACAGCGGTCATCTCT[A>G]CCTGCGACCATGGTATAGTAGCCAAGATCAAGAGAGTGATCATGGAGAGAGACACTTACC-3'
Protein context (NP_001354.1, residues 347-367): IALMTTAVIS[Thr357Ala]CDHGIVAKIK